The following is an entry in ClinVar:

NM_031935.3(HMCN1):c.14095A>G (p.Ile4699Val)

Gene: HMCN1 (hemicentin 1; plus strand). Cytogenetic location: 1q31.1.
Variant type: single nucleotide variant.
Coding change: c.14095A>G on transcript NM_031935.3 (MANE Select); coding-DNA position 14095, A replaced by G.
Protein change: p.Ile4699Val; replaces isoleucine 4699 with valine.
Molecular consequence: missense variant.
Genome position (GRCh38, 1-based): chr1:186,144,343, A>G. VCF-style: chr1-186144343-A-G. GRCh37 (hg19) VCF-style: chr1-186113475-A-G.
Other names: short protein forms I4699V.
Identifiers: ClinVar variation 874976 (VCV000874976.10), dbSNP rs141213545, ClinGen allele CA1294849.

ClinVar aggregate classification (germline): Conflicting classifications of pathogenicity. Review status: criteria provided, conflicting classifications (1 of 4 stars). 3 submissions from 3 submitters: Uncertain significance (2); Likely benign (1). Last evaluated 2025-10-22.

Conditions:
Age related macular degeneration 1 (ARMD1). Also called: MACULOPATHY, AGE-RELATED, 1. Identifiers: MedGen C1864205, MONDO:0011285, OMIM 603075.

Allele frequency attached by ClinVar (database versions not stated): ExAC 0.00014; ESP Exome Variant Server 0.00015; 1000 Genomes Project 30x 0.00016; gnomAD exomes 0.00016; TOPMed 0.00018; 1000 Genomes Project 0.00020; gnomAD 0.00021.
gnomAD v4.1: 265 of 1,613,206 alleles (0.016%); highest among the groups gnomAD compares: Middle Eastern, 0.13%; no homozygotes.

Submissions (3):

Labcorp Genetics (formerly Invitae), Labcorp
Classification: Uncertain significance. Last evaluated: 2025-10-22. Review status: criteria provided, single submitter. Criteria: Invitae Variant Classification Sherloc (09022015). Collection method: clinical testing. Allele origin: germline.
Comment: This sequence change replaces isoleucine, which is neutral and non-polar, with valine, which is neutral and non-polar, at codon 4699 of the HMCN1 protein (p.Ile4699Val). This variant is present in population databases (rs141213545, gnomAD 0.03%). This variant has not been reported in the literature in individuals affected with HMCN1-related conditions. ClinVar contains an entry for this variant (Variation ID: 874976). An algorithm developed to predict the effect of missense changes on protein structure and function outputs the following: PolyPhen-2: "Benign". The valine amino acid residue is found in multiple mammalian species, which suggests that this missense change does not adversely affect protein function. In summary, the available evidence is currently insufficient to determine the role of this variant in disease. Therefore, it has been classified as a Variant of Uncertain Significance.

Ambry Genetics
Classification: Likely benign. Last evaluated: 2021-11-09. Review status: criteria provided, single submitter. Criteria: Ambry Variant Classification Scheme 2023. Collection method: clinical testing. Allele origin: germline.

Illumina Laboratory Services, Illumina
Classification: Uncertain significance for Age related macular degeneration 1. Last evaluated: 2018-01-12. Review status: criteria provided, single submitter. Criteria: ICSL Variant Classification Criteria 13 December 2019. Collection method: clinical testing. Allele origin: germline.